The following is an entry in ClinVar:

ClinVar aggregate classification (germline): Likely pathogenic (0 of 4 stars; one submission).

Conditions:
Pyruvate dehydrogenase E1-alpha deficiency (PDHAD). Also called: ATAXIA, INTERMITTENT, WITH PYRUVATE DEHYDROGENASE DEFICIENCY; ATAXIA WITH LACTIC ACIDOSIS I; ATAXIA, INTERMITTENT, WITH ABNORMAL PYRUVATE METABOLISM; Ataxia, intermittent, with pyruvate dehydrogenase, or decarboxylase, deficiency. Identifiers: Orphanet 79243, MedGen C1839413, MONDO:0010717, OMIM 312170.

Submissions (2):

PDHA1 Study Group, University Children’s Hospital, Paracelsus Medical University
Classification: Likely pathogenic for Pyruvate dehydrogenase E1-alpha deficiency. Last evaluated: 2024-10-15. Review status: no assertion criteria provided. Collection method: research. Allele origin: inherited. Affected: yes. Observed: 1 variant allele.
Comment: The NM_000284.3:c.832G>C (p.Gly278Arg) substitution is a missense variant in PDHA1 gene. Among them, 1 were confirmed inherited. The variant has been reported in 1 published case (PMIDs: 21914562). Last literature search: July 12, 2024. This variant is absent or extremely rare in population-based cohorts in the Genome Aggregation Database (gnomAD). Individuals harboring this variant presented with clinical features compatible with PDHA1-related PDHc deficiency. In summary, this variant meets criteria to be classified as likely pathogenic (LP) for PDHA1-related PDHc deficiency based on the ACMG/AMP criteria applied: PS1, PM2, PM7, PP3 (last assessment October 15, 2024).

Dr. Peter K. Rogan Lab, Western University
No classification provided (evidence only). Condition: Thyroid cancer, nonmedullary, 1. Review status: no classification provided. Collection method: in vitro. Allele origin: not applicable. Functional consequence: retained intron. Not counted in ClinVar's aggregate classification.

Literature cited by the submitters: PubMed 21914562 (cited by PDHA1 Study Group, University Children’s Hospital, Paracelsus Medical University); DOI 10.1093/brain/awaf430 (cited by PDHA1 Study Group, University Children’s Hospital, Paracelsus Medical University).

NM_000284.4(PDHA1):c.832G>C (p.Gly278Arg)

Gene: PDHA1 (pyruvate dehydrogenase E1 subunit alpha 1; plus strand). Cytogenetic location: Xp22.12.
Variant type: single nucleotide variant.
Coding change: c.832G>C on transcript NM_000284.4 (MANE Select); coding-DNA position 832, G replaced by C.
Protein change: p.Gly278Arg; replaces glycine 278 with arginine.
Molecular consequence: missense variant.
Genome position (GRCh38, 1-based): chrX:19,357,652, G>C. VCF-style: chrX-19357652-G-C. GRCh37 (hg19) VCF-style: chrX-19375770-G-C.
Other names: NC_000023.10:g.19375770G>C; c.946G>C, p.Gly316Arg (NM_001173454.2); c.853G>C, p.Gly285Arg (NM_001173455.2); c.739G>C, p.Gly247Arg (NM_001173456.2); short protein forms G247R, G278R, G285R, G316R.
Identifiers: ClinVar variation 4070371 (VCV004070371.2).